The following is an entry in ClinVar:

ClinVar aggregate classification (germline): Likely benign (1 of 4 stars; one submission).

Submission:

CeGaT Center for Human Genetics Tuebingen
Classification: Likely benign. Last evaluated: 2023-02-01. Review status: criteria provided, single submitter. Criteria: CeGaT Center For Human Genetics Tuebingen Variant Classification Criteria Version 2. Collection method: clinical testing. Allele origin: germline. Affected: yes. Observed: 1 variant allele.
Comment: NT5DC4: PM2:Supporting, BP4, BP7

NM_001393655.1(NT5DC4):c.516C>G (p.Ser172=)

Gene: NT5DC4 (5'-nucleotidase domain containing 4; plus strand). Cytogenetic location: 2q14.1.
Variant type: single nucleotide variant.
Coding change: c.516C>G on transcript NM_001393655.1 (MANE Select); coding-DNA position 516, C replaced by G.
Protein change: p.Ser172=; no amino-acid change (serine 172 retained).
Molecular consequence: synonymous variant.
Genome position (GRCh38, 1-based): chr2:112,722,760, C>G. VCF-style: chr2-112722760-C-G. GRCh37 (hg19) VCF-style: chr2-113480337-C-G.
Other names: c.438C>G, p.Ser146= (NM_001350494.2).
Identifiers: ClinVar variation 2651284 (VCV002651284.24), dbSNP rs1388750712, ClinGen allele CA428293281.
Genomic context (GRCh38, chr2:112,722,760, plus strand): 5'-CTGTCTGCCCCCAGAAACCTACCTCTATGCCTGCTTGGTGGACTTCTTCTCTGGCTGCTC[C>G]CGTTACACTAAGTGCGTCTTGTGCCCTGCCCAGCCCTGGGACGACCAGTAGGACACTGCT-3'
Protein context (NP_001380584.1, residues 162-182): ACLVDFFSGC[Ser172=]RYTNCDTGYQ